The following is an entry in ClinVar:

ClinVar aggregate classification (germline): Likely pathogenic (1 of 4 stars; one submission).

Conditions:
Glycogen storage disease IXc (GSD9C). Also called: GSD IXc. Identifiers: Orphanet 264580, MedGen C2751643, MONDO:0013091, OMIM 613027.

Submission:

Variantyx, Inc.
Classification: Likely pathogenic for Glycogen storage disease IXc. Last evaluated: 2025-03-10. Review status: criteria provided, single submitter. Criteria: Variantyx Assertion Criteria 2022. Collection method: clinical testing. Allele origin: germline.
Comment: This is a frameshift variant in the PHKG2 gene (OMIM: 172471). Pathogenic variants in this gene have been associated with autosomal recessive glycogen storage disease IXc. This variant introduces a premature termination codon in exon 5 out of 10. It is expected to result in loss of function, which is a known disease mechanism for PHKG2 in this disorder (PVS1). This variant is absent from control populations (PM2_Supporting). This variant has not been reported in individuals with PHKG2-related disorders in the databases available for review. Based on the current evidence, this variant is classified as likely pathogenic for autosomal recessive glycogen storage disease IXc.

NM_000294.3(PHKG2):c.345dup (p.Phe116fs)

Gene: PHKG2 (phosphorylase kinase catalytic subunit gamma 2; plus strand). Cytogenetic location: 16p11.2.
Variant type: Duplication.
Coding change: c.345dup on transcript NM_000294.3 (MANE Select); coding-DNA position 345, one base duplicated (G; older notation c.345dupG).
Protein change: p.Phe116fs; shifts the reading frame from phenylalanine 116.
Molecular consequence: frameshift variant.
Genome position (GRCh38, 1-based): chr16:30,753,250, G duplicated. VCF-style (leftmost placement, unchanged base first): chr16-30753249-T-TG. GRCh37 (hg19) VCF-style: chr16-30764570-T-TG.
Other names: c.345dup, p.Phe116fs (NM_001172432.2); short protein forms F116fs.
Identifiers: ClinVar variation 4759228 (VCV004759228.1).
Genomic context (GRCh38, chr16:30,753,249, plus strand): 5'-CACTGTGGGATGCAGCTGCCTCCTATGCCCCTCCTTCCCTTAGGATGCGGAAGGGAGAGC[T>TG]GTTTGACTATCTCACAGAGAAGGTGGCCCTCTCTGAAAAGGAAACCAGGTAAGGGTTGAG-3'